The following is an entry in ClinVar:

NM_001267550.2(TTN):c.35890C>T (p.Arg11964Ter)

Gene: TTN (titin; minus strand). Cytogenetic location: 2q31.2.
Variant type: single nucleotide variant.
Coding change: c.35890C>T on transcript NM_001267550.2 (MANE Select); coding-DNA position 35890, C replaced by T.
Protein change: p.Arg11964Ter; replaces arginine 11964 with a stop codon.
Molecular consequence: nonsense. On other transcripts: intron variant (5).
Genome position (GRCh38, 1-based): chr2:178,665,777, G>A on the plus strand (C>T on the coding strand, the complement: TTN is on the minus strand). VCF-style: chr2-178665777-G-A. GRCh37 (hg19) VCF-style: chr2-179530504-G-A.
Other names: c.35890C>T (NM_001267550.1); c.13283-23460C>T (NM_003319.4); c.13859-23460C>T (NM_133437.4); c.13658-23460C>T (NM_133432.3); c.31484-2722C>T (NM_133378.4); c.34265-2722C>T (NM_001256850.1); short protein forms R11964*.
Identifiers: ClinVar variation 566095 (VCV000566095.14), dbSNP rs1266298136, ClinGen allele CA349505679.

ClinVar aggregate classification (germline): Conflicting classifications of pathogenicity. Review status: criteria provided, conflicting classifications (1 of 4 stars). 5 submissions from 5 submitters: Likely pathogenic (1); Uncertain significance (4). Last evaluated 2026-03-31.

Conditions:
Autosomal recessive limb-girdle muscular dystrophy type 2J (LGMDR10). Also called: MUSCULAR DYSTROPHY, LIMB-GIRDLE, AUTOSOMAL RECESSIVE 10; Limb-girdle muscular dystrophy, type 2J. Identifiers: Orphanet 140922, MedGen C1837342, MONDO:0012127, OMIM 608807.
Dilated cardiomyopathy 1G (CMD1G). Identifiers: Orphanet 154, MedGen C1858763, MONDO:0011400, OMIM 604145.
TTN-related disorder. Also called: TTN-related condition; TTN-related disease; TTN-related disorders.
Hypertrophic cardiomyopathy 9. Also called: Familial hypertrophic cardiomyopathy 9. Identifiers: MedGen C1861065, MONDO:0013412, OMIM 613765.
Early-onset myopathy with fatal cardiomyopathy (CMYO5). Also called: CONGENITAL MYOPATHY 5 WITH CARDIOMYOPATHY; Salih Myopathy. Identifiers: Orphanet 289377, MedGen C2673677, MONDO:0012714, OMIM 611705. Disease mechanism: loss of function.
Myopathy, myofibrillar, 9, with early respiratory failure (MFM9). Also called: Myopathy, distal, with early respiratory failure, autosomal dominant; Hereditary myopathy with early respiratory failure; EDSTROM MYOPATHY; MYOPATHY, PROXIMAL, WITH EARLY RESPIRATORY MUSCLE INVOLVEMENT. Identifiers: Orphanet 178464, Orphanet 34521, MedGen C1863599, MONDO:0011362, OMIM 603689.
Tibial muscular dystrophy (TMD). Also called: Tibial muscular dystrophy, tardive; Udd Distal Myopathy – Tibial Muscular Dystrophy; UDD MYOPATHY. Identifiers: Orphanet 609, MedGen C1838244, MONDO:0010870, OMIM 600334.

Allele frequency attached by ClinVar (database versions not stated): TOPMed 0.00005; gnomAD 0.00006; 1000 Genomes Project 30x 0.00016.
gnomAD v4.1: 109 of 1,294,556 alleles (0.0084%); highest among the groups gnomAD compares: South Asian, 0.025%; no homozygotes.

Submissions (5):

PreventionGenetics, part of Exact Sciences
Classification: Likely pathogenic for TTN-related condition. Last evaluated: 2026-03-31. Review status: criteria provided, single submitter. Criteria: ACMG Guidelines, 2015. Collection method: clinical testing. Allele origin: germline.
Comment: The TTN c.35890C>T variant is predicted to result in premature protein termination (p.Arg11964*). This variant has been reported in an individual with early onset atrial fibrillation (eTable 5 in Choi et al. 2018. PubMed ID: 30535219); however, this variant was also reported in six control individuals in the UK Biobank (Online Table IX in Choi et al. 2020. PubMed ID: 31691645). This variant is located in the I-band region of the TTN protein. RNAseq studies from heart tissue indicate this exon is not commonly included in TTN mRNA transcripts (PSI of 3% -6%, Roberts et al. 2015. PubMed ID: 25589632). TTN loss-of-function variants occurring in non-constitutively expressed exons (PSI < 90%) are less likely to be disease causing for TTN cardiac-related disorders (Roberts et al. 2015. PubMed ID: 25589632; Schafer et al. 2017. PubMed ID: 27869827; Akhtar et al. 2020. PubMed ID: 32964742). Many cases of recessive TTN-related myopathies in which the individual is compound heterozygous for two loss-of-function variants in TTN have also been reported (Ge et al. 2019. PubMed ID: 31053406; Oates et al. 2018. PubMed ID: 29691892; Rees et al. 2021. PubMed ID: 33449170). This variant is reported in 0.081% of alleles in individuals of South Asian descent in gnomAD. In summary, this variant is likely pathogenic for autosomal recessive TTN-related congenital titinopathies. However, it is uncertain if this variant would be causative for autosomal dominant TTN-related disorders.​

GeneDx
Classification: Uncertain significance. Last evaluated: 2023-06-14. Review status: criteria provided, single submitter. Criteria: GeneDx Variant Classification Process June 2021. Collection method: clinical testing. Allele origin: germline. Affected: yes.
Comment: Reported in an individual with early onset atrial fibrillation in published literature (Choi et al., 2018); Nonsense variant predicted to result in protein truncation or nonsense mediated decay in a gene for which loss-of-function is a known mechanism of disease; Located in a region of TTN in which the majority of pathogenic variants have been reported in association with autosomal recessive titinopathies (Fernandez-Marmiesse et al., 2017; Chervinsky et al., 2018; Bryen, et al., 2020; Savarese et al., 2020); This variant is associated with the following publications: (PMID: 30535219)

AiLife Diagnostics
Classification: Uncertain significance. Last evaluated: 2021-12-01. Review status: criteria provided, single submitter. Criteria: ACMG Guidelines, 2015. Collection method: clinical testing. Allele origin: germline. Affected: yes. Observed: 1 variant allele.

Fulgent Genetics
Classification: Uncertain significance for Tibial muscular dystrophy; Myopathy, myofibrillar, 9, with early respiratory failure; Dilated cardiomyopathy 1G; Autosomal recessive limb-girdle muscular dystrophy type 2J; Early-onset myopathy with fatal cardiomyopathy; Hypertrophic cardiomyopathy 9. Last evaluated: 2021-07-02. Review status: criteria provided, single submitter. Criteria: ACMG Guidelines, 2015. Collection method: clinical testing. Allele origin: unknown.

Labcorp Genetics (formerly Invitae), Labcorp
Classification: Uncertain significance for Dilated cardiomyopathy 1G; Autosomal recessive limb-girdle muscular dystrophy type 2J. Last evaluated: 2019-06-05. Review status: criteria provided, single submitter. Criteria: Invitae Variant Classification Sherloc (09022015). Collection method: clinical testing. Allele origin: germline.
Comment: This variant is located in the I band of TTN (PMID: 25589632). Truncating variants in this region have been shown to be highly prevalent in the general population and unaffected individuals (PMID: 26701604, 22335739). However, truncating variants in this region have also been reported in individuals affected with autosomal recessive centronuclear myopathy (PMID: 23975875). This variant has not been reported in the literature in individuals with TTN-related disease. While this variant is not present in population databases, the frequency information is unreliable, as metrics indicate poor data quality at this position in the ExAC database. This sequence change results in a premature translational stop signal in the TTN gene (p.Arg11964*). While this is not anticipated to result in nonsense mediated decay, it is expected to create a truncated TTN protein. In summary, the available evidence is currently insufficient to determine the role of this variant in disease. Therefore, it has been classified as a Variant of Uncertain Significance.

Literature cited by the submitters: PubMed 30535219 (cited by AiLife Diagnostics); PubMed 25589632 (cited by Labcorp Genetics (formerly Invitae), Labcorp); PubMed 26701604 (cited by Labcorp Genetics (formerly Invitae), Labcorp); PubMed 22335739 (cited by Labcorp Genetics (formerly Invitae), Labcorp); PubMed 23975875 (cited by Labcorp Genetics (formerly Invitae), Labcorp).